The following is an entry in ClinVar:

NM_001365536.1(SCN9A):c.2063G>A (p.Arg688Lys)

Genes: SCN1A-AS1 (SCN1A and SCN9A antisense RNA 1; plus strand), SCN9A (sodium voltage-gated channel alpha subunit 9; minus strand). Cytogenetic location: 2q24.3.
Variant type: single nucleotide variant.
Coding change: c.2063G>A on transcript NM_001365536.1 (MANE Select); coding-DNA position 2063, G replaced by A.
Protein change: p.Arg688Lys; replaces arginine 688 with lysine.
Molecular consequence: missense variant.
Genome position (GRCh38, 1-based): chr2:166,281,720, C>T on the plus strand (G>A on the coding strand, the complement: SCN9A is on the minus strand). VCF-style: chr2-166281720-C-T. GRCh37 (hg19) VCF-style: chr2-167138230-C-T.
Other names: c.2030G>A, p.Arg677Lys (NM_002977.4); short protein forms R677K, R688K.
Identifiers: ClinVar variation 653414 (VCV000653414.9), dbSNP rs372147847, ClinGen allele CA349081028.

ClinVar aggregate classification (germline): Uncertain significance (1 of 4 stars; one submission).

Conditions:
Neuropathy, hereditary sensory and autonomic, type 2A (HSAN2A). Also called: MORVAN DISEASE; NEUROPATHY, CONGENITAL SENSORY; NEUROPATHY, HEREDITARY SENSORY RADICULAR, AUTOSOMAL RECESSIVE; NEUROPATHY, HEREDITARY SENSORY, TYPE IIA; NEUROPATHY, PROGRESSIVE SENSORY, OF CHILDREN; WNK1-Related HSAN2 (HSAN2A). Identifiers: Orphanet 970, MedGen C2752089, MONDO:0024309, OMIM 201300.
Generalized epilepsy with febrile seizures plus, type 7 (GEFSP7). Also called: GEFS+, TYPE 7. Identifiers: Orphanet 36387, MedGen C2751778, MONDO:0013470, OMIM 613863.

gnomAD v4.1: 2 of 1,613,376 alleles (0.00012%); highest among the groups gnomAD compares: Non-Finnish European, 0.00017%; no homozygotes.

Submission:

Labcorp Genetics (formerly Invitae), Labcorp
Classification: Uncertain significance for Neuropathy, hereditary sensory and autonomic, type 2A; Generalized epilepsy with febrile seizures plus, type 7. Last evaluated: 2025-10-13. Review status: criteria provided, single submitter. Criteria: Invitae Variant Classification Sherloc (09022015). Collection method: clinical testing. Allele origin: germline.
Comment: This sequence change replaces arginine, which is basic and polar, with lysine, which is basic and polar, at codon 677 of the SCN9A protein (p.Arg677Lys). This variant is not present in population databases (gnomAD no frequency). This variant has not been reported in the literature in individuals affected with SCN9A-related conditions. ClinVar contains an entry for this variant (Variation ID: 653414). Invitae Evidence Modeling of protein sequence and biophysical properties (such as structural, functional, and spatial information, amino acid conservation, physicochemical variation, residue mobility, and thermodynamic stability) indicates that this missense variant is not expected to disrupt SCN9A protein function with a negative predictive value of 95%. In summary, the available evidence is currently insufficient to determine the role of this variant in disease. Therefore, it has been classified as a Variant of Uncertain Significance.